The following is an entry in ClinVar:

NM_001170629.2(CHD8):c.5365A>G (p.Ile1789Val)

Gene: CHD8 (chromodomain helicase DNA binding protein 8; minus strand). Cytogenetic location: 14q11.2.
Variant type: single nucleotide variant.
Coding change: c.5365A>G on transcript NM_001170629.2 (MANE Select); coding-DNA position 5365, A replaced by G.
Protein change: p.Ile1789Val; replaces isoleucine 1789 with valine.
Molecular consequence: missense variant.
Genome position (GRCh38, 1-based): chr14:21,394,937, T>C on the plus strand (A>G on the coding strand, the complement: CHD8 is on the minus strand). VCF-style: chr14-21394937-T-C. GRCh37 (hg19) VCF-style: chr14-21863096-T-C.
Other names: c.4528A>G, p.Ile1510Val (NM_020920.4); short protein forms I1510V, I1789V.
Identifiers: ClinVar variation 452537 (VCV000452537.3), dbSNP rs1555313583, ClinGen allele CA388883896.

ClinVar aggregate classification (germline): Uncertain significance (1 of 4 stars; one submission).

Submission:

GeneDx
Classification: Uncertain significance. Last evaluated: 2021-04-15. Review status: criteria provided, single submitter. Criteria: GeneDx Variant Classification Process June 2021. Collection method: clinical testing. Allele origin: germline. Affected: yes.
Comment: Not observed in large population cohorts (Lek et al., 2016); In silico analysis supports that this missense variant does not alter protein structure/function; Has not been previously published as pathogenic or benign to our knowledge